The following is an entry in ClinVar:

NM_152564.5(VPS13B):c.11904C>T (p.Tyr3968=)

Gene: VPS13B (vacuolar protein sorting 13 homolog B; plus strand). Cytogenetic location: 8q22.2.
Variant type: single nucleotide variant.
Coding change: c.11904C>T on transcript NM_152564.5 (MANE Select); coding-DNA position 11904, C replaced by T.
Protein change: p.Tyr3968=; no amino-acid change (tyrosine 3968 retained).
Molecular consequence: synonymous variant.
Genome position (GRCh38, 1-based): chr8:99,875,576, C>T. VCF-style: chr8-99875576-C-T. GRCh37 (hg19) VCF-style: chr8-100887804-C-T.
Other names: c.11979C>T, p.Tyr3993= (NM_017890.5); c.11904C>T (NM_152564.4).
Identifiers: ClinVar variation 1146017 (VCV001146017.12), dbSNP rs1817662607, ClinGen allele CA462458595.
Genomic context (GRCh38, chr8:99,875,576, plus strand): 5'-CATGCAAATACCATGCCCTGTGGTGGCTGCAGAACCTCCCCCCTCCACTGTTAAAACATA[C>T]CATTACCTGGTTGATCCACATTTTGCTCAGGTCTTCCTTAGTAAATTTACCATGGTGAAA-3'
Protein context (NP_689777.3, residues 3958-3978): AEPPPSTVKT[Tyr3968=]HYLVDPHFAQ

ClinVar aggregate classification (germline): Likely benign. Review status: criteria provided, multiple submitters, no conflicts (2 of 4 stars). 3 submissions from 3 submitters: Likely benign (2). 1 of the submissions does not count toward it. Last evaluated 2025-03-31.

Conditions:
Cohen syndrome (COH1). Also called: PEPPER SYNDROME; Cutis verticis gyrata, retinitis pigmentosa, and sensorineural deafness. Identifiers: Orphanet 193, MedGen C0265223, MONDO:0008999, OMIM 216550.
VPS13B-related disorder. Also called: VPS13B-related condition.

Allele frequency attached by ClinVar (database versions not stated): gnomAD exomes below 0.00001; gnomAD 0.00001; TOPMed 0.00001.
gnomAD v4.1: 5 of 1,614,044 alleles (0.00031%); highest among the groups gnomAD compares: Admixed American, 0.0017%; no homozygotes.

Submissions (3):

Labcorp Genetics (formerly Invitae), Labcorp
Classification: Likely benign for Cohen syndrome. Last evaluated: 2025-03-31. Review status: criteria provided, single submitter. Criteria: Invitae Variant Classification Sherloc (09022015). Collection method: clinical testing. Allele origin: germline.

Blueprint Genetics
Classification: Likely benign. Last evaluated: 2018-06-13. Review status: criteria provided, single submitter. Criteria: ACMG Guidelines, 2015. Collection method: clinical testing. Allele origin: germline.

PreventionGenetics, part of Exact Sciences
Classification: Likely benign for VPS13B-related condition. Last evaluated: 2022-03-10. Review status: no assertion criteria provided. Collection method: clinical testing. Allele origin: germline. Not counted in ClinVar's aggregate classification.
Comment: This variant is classified as likely benign based on ACMG/AMP sequence variant interpretation guidelines (Richards et al. 2015 PMID: 25741868, with internal and published modifications).